The following is an entry in ClinVar:

ClinVar aggregate classification (germline): Uncertain significance. Review status: criteria provided, multiple submitters, no conflicts (2 of 4 stars). 6 submissions from 6 submitters: Uncertain significance (6). Last evaluated 2025-12-16.

Conditions:
Hypertrophic cardiomyopathy 25 (CMH25). Also called: CARDIOMYOPATHY, FAMILIAL HYPERTROPHIC, 25. Identifiers: MedGen C4225408, MONDO:0011843, OMIM 607487.
Primary familial hypertrophic cardiomyopathy (HCM). Identifiers: Orphanet 99739, MedGen C0949658, MeSH D024741, MONDO:0024573. Inheritance: Various modes of inheritance.
Cardiovascular phenotype. Identifiers: MedGen CN230736.

Allele frequency attached by ClinVar (database versions not stated): ExAC 0.00002; gnomAD exomes 0.00002 and 0.00005; TOPMed 0.00010; gnomAD 0.00017.

Submissions (6):

Labcorp Genetics (formerly Invitae), Labcorp
Classification: Uncertain significance for Hypertrophic cardiomyopathy 25; Primary familial hypertrophic cardiomyopathy. Last evaluated: 2025-12-16. Review status: criteria provided, single submitter. Criteria: Invitae Variant Classification Sherloc (09022015). Collection method: clinical testing. Allele origin: germline.
Comment: This sequence change replaces arginine, which is basic and polar, with cysteine, which is neutral and slightly polar, at codon 63 of the TCAP protein (p.Arg63Cys). This variant is present in population databases (rs758048577, gnomAD 0.02%). This missense change has been observed in individual(s) with limb-girdle muscular weakness (PMID: 39678382). ClinVar contains an entry for this variant (Variation ID: 464945). An algorithm developed to predict the effect of missense changes on protein structure and function outputs the following: PolyPhen-2: "Benign". The cysteine amino acid residue is found in multiple mammalian species, which suggests that this missense change does not adversely affect protein function. In summary, the available evidence is currently insufficient to determine the role of this variant in disease. Therefore, it has been classified as a Variant of Uncertain Significance.

Ambry Genetics
Classification: Uncertain significance for Cardiovascular phenotype. Last evaluated: 2025-09-26. Review status: criteria provided, single submitter. Criteria: Ambry Variant Classification Scheme 2023. Collection method: clinical testing. Allele origin: germline.

GeneDx
Classification: Uncertain significance. Last evaluated: 2024-01-23. Review status: criteria provided, single submitter. Criteria: GeneDx Variant Classification Process June 2021. Collection method: clinical testing. Allele origin: germline. Affected: yes.
Comment: In silico analysis supports that this missense variant has a deleterious effect on protein structure/function; Has not been previously published as pathogenic or benign to our knowledge

Athena Diagnostics
Classification: Uncertain significance. Last evaluated: 2023-12-15. Review status: criteria provided, single submitter. Criteria: Athena Diagnostics Criteria. Collection method: clinical testing. Allele origin: unknown.
Comment: Available data are insufficient to determine the clinical significance of the variant at this time. The frequency of this variant in the general population is uninformative in assessment of its pathogenicity. Computational tools predict that this variant is not damaging.

CeGaT Center for Human Genetics Tuebingen
Classification: Uncertain significance. Last evaluated: 2023-03-01. Review status: criteria provided, single submitter. Criteria: CeGaT Center For Human Genetics Tuebingen Variant Classification Criteria Version 2. Collection method: clinical testing. Allele origin: germline. Affected: yes. Observed: 1 variant allele.
Comment: TCAP: PM2

Revvity Omics, Revvity
Classification: Uncertain significance. Last evaluated: 2019-08-19. Review status: criteria provided, single submitter. Criteria: ACMG Guidelines, 2015. Collection method: clinical testing. Allele origin: germline.

Literature cited by the submitters: PubMed 39678382 (cited by Labcorp Genetics (formerly Invitae), Labcorp).

NM_003673.4(TCAP):c.187C>T (p.Arg63Cys)

Gene: TCAP (titin-cap; plus strand). Cytogenetic location: 17q12.
Variant type: single nucleotide variant.
Coding change: c.187C>T on transcript NM_003673.4 (MANE Select); coding-DNA position 187, C replaced by T.
Protein change: p.Arg63Cys; replaces arginine 63 with cysteine.
Molecular consequence: missense variant.
Genome position (GRCh38, 1-based): chr17:39,665,792, C>T. VCF-style: chr17-39665792-C-T. GRCh37 (hg19) VCF-style: chr17-37822045-C-T.
Other names: short protein forms R63C.
Identifiers: ClinVar variation 464945 (VCV000464945.45), dbSNP rs758048577, ClinGen allele CA8532871.